The following is an entry in ClinVar:

NM_004385.5(VCAN):c.645A>G (p.Val215=)

Gene: VCAN (versican; plus strand). Cytogenetic location: 5q14.2.
Variant type: single nucleotide variant.
Coding change: c.645A>G on transcript NM_004385.5 (MANE Select); coding-DNA position 645, A replaced by G.
Protein change: p.Val215=; no amino-acid change (valine 215 retained).
Molecular consequence: synonymous variant.
Genome position (GRCh38, 1-based): chr5:83,493,828, A>G. VCF-style: chr5-83493828-A-G. GRCh37 (hg19) VCF-style: chr5-82789647-A-G.
Other names: c.645A>G, p.Val215= (NM_001126336.3, NM_001164097.2, NM_001164098.2).
Identifiers: ClinVar variation 259373 (VCV000259373.19), dbSNP rs4470745, ClinGen allele CA3332497.

ClinVar aggregate classification (germline): Benign. Review status: criteria provided, multiple submitters, no conflicts (2 of 4 stars). 6 submissions from 6 submitters: Benign (6). Last evaluated 2026-02-04.

Conditions:
Vitreoretinopathy. Also called: Vitreoretinal degeneration. Identifiers: MedGen C0344290, MONDO:0020248, HP:0007773.
Wagner disease. Also called: WAGNER SYNDROME 1; Wagner syndrome; HYALOIDEORETINAL DEGENERATION OF WAGNER; WAGNER VITREORETINOPATHY; Wagner Vitreoretinal Degeneration (Wagner Synrdome); WAGNER VITREORETINAL DEGENERATION. Identifiers: Orphanet 898, MedGen C1840452, MONDO:0007740, OMIM 143200.

Allele frequency attached by ClinVar (database versions not stated): gnomAD 0.33014 and 0.33601; ESP Exome Variant Server 0.35053; gnomAD exomes 0.38010 and 0.32208; 1000 Genomes Project 0.23842; 1000 Genomes Project 30x 0.24375; ExAC 0.32102; TOPMed 0.32173.
gnomAD v4.1: 604,399 of 1,613,894 alleles (37%); highest among the groups gnomAD compares: Non-Finnish European, 41%; 118,135 homozygotes.

Submissions (6):

Labcorp Genetics (formerly Invitae), Labcorp
Classification: Benign. Last evaluated: 2026-02-04. Review status: criteria provided, single submitter. Criteria: Invitae Variant Classification Sherloc (09022015). Collection method: clinical testing. Allele origin: germline.

Blueprint Genetics
Classification: Benign. Last evaluated: 2024-11-27. Review status: criteria provided, single submitter. Criteria: ACMG Guidelines, 2015. Collection method: clinical testing. Allele origin: germline.

Genome-Nilou Lab
Classification: Benign for Wagner disease. Last evaluated: 2021-12-05. Review status: criteria provided, single submitter. Criteria: ACMG Guidelines, 2015. Collection method: clinical testing. Allele origin: germline. Affected: no.

GeneDx
Classification: Benign. Last evaluated: 2018-09-21. Review status: criteria provided, single submitter. Criteria: GeneDx Variant Classification Process June 2021. Collection method: clinical testing. Allele origin: germline. Affected: yes.

Illumina Laboratory Services, Illumina
Classification: Benign for Vitreoretinopathy. Last evaluated: 2018-01-13. Review status: criteria provided, single submitter. Criteria: ICSL Variant Classification Criteria 13 December 2019. Collection method: clinical testing. Allele origin: germline.
Comment: This variant was observed in the ICSL laboratory as part of a predisposition screen in an ostensibly healthy population. It had not been previously curated by ICSL or reported in the Human Gene Mutation Database (HGMD: prior to June 1st, 2018), and was therefore a candidate for classification through an automated scoring system. Utilizing variant allele frequency, disease prevalence and penetrance estimates, and inheritance mode, an automated score was calculated to assess if this variant is too frequent to cause the disease. Based on the score and internal cut-off values, a variant classified as benign is not then subjected to further curation. The score for this variant resulted in a classification of benign for this disease.

PreventionGenetics, part of Exact Sciences
Classification: Benign. Review status: criteria provided, single submitter. Criteria: ACMG Guidelines, 2015. Collection method: clinical testing. Allele origin: germline.